The following is an entry in ClinVar:

ClinVar aggregate classification (germline): Uncertain significance (1 of 4 stars; one submission).

Conditions:
Bethlem myopathy 1A. Also called: Bethlem myopathy 1; MYOPATHY, BENIGN CONGENITAL, WITH CONTRACTURES; Bethlem Muscular Dystrophy. Identifiers: Orphanet 610, MedGen CN029274, MONDO:0024530, OMIM 158810.

Submission:

Labcorp Genetics (formerly Invitae), Labcorp
Classification: Uncertain significance for Bethlem myopathy 1A. Last evaluated: 2024-05-31. Review status: criteria provided, single submitter. Criteria: Invitae Variant Classification Sherloc (09022015). Collection method: clinical testing. Allele origin: germline.
Comment: This sequence change replaces glutamine, which is neutral and polar, with arginine, which is basic and polar, at codon 3080 of the COL6A3 protein (p.Gln3080Arg). This variant is not present in population databases (gnomAD no frequency). This variant has not been reported in the literature in individuals affected with COL6A3-related conditions. Advanced modeling of protein sequence and biophysical properties (such as structural, functional, and spatial information, amino acid conservation, physicochemical variation, residue mobility, and thermodynamic stability) performed at Invitae indicates that this missense variant is not expected to disrupt COL6A3 protein function with a negative predictive value of 95%. In summary, the available evidence is currently insufficient to determine the role of this variant in disease. Therefore, it has been classified as a Variant of Uncertain Significance.

NM_004369.4(COL6A3):c.9239A>G (p.Gln3080Arg)

Gene: COL6A3 (collagen type VI alpha 3 chain; minus strand). Cytogenetic location: 2q37.3.
Variant type: single nucleotide variant.
Coding change: c.9239A>G on transcript NM_004369.4 (MANE Select); coding-DNA position 9239, A replaced by G.
Protein change: p.Gln3080Arg; replaces glutamine 3080 with arginine.
Molecular consequence: missense variant.
Genome position (GRCh38, 1-based): chr2:237,333,539, T>C on the plus strand (A>G on the coding strand, the complement: COL6A3 is on the minus strand). VCF-style: chr2-237333539-T-C. GRCh37 (hg19) VCF-style: chr2-238242182-T-C.
Other names: c.7418A>G, p.Gln2473Arg (NM_057166.5); c.8621A>G, p.Gln2874Arg (NM_057167.4); short protein forms Q2473R, Q2874R, Q3080R.
Identifiers: ClinVar variation 3634139 (VCV003634139.2).